The following is an entry in ClinVar:

ClinVar aggregate classification (germline): Benign (1 of 4 stars; one submission).

Conditions:
Tuberous sclerosis 1 (TSC1). Identifiers: Orphanet 805, MedGen C1854465, MONDO:0008612, OMIM 191100.

Submission:

Myriad Genetics, Inc.
Classification: Benign for Tuberous sclerosis 1. Last evaluated: 2025-04-24. Review status: criteria provided, single submitter. Criteria: Myriad Autosomal Dominant, Autosomal Recessive and X-Linked Classification Criteria (2023). Collection method: clinical testing. Allele origin: unknown.
Comment: This variant is considered benign. This variant is a silent/synonymous amino acid change and it is not expected to impact splicing.

NM_000368.5(TSC1):c.2133G>A (p.Gln711=)

Gene: TSC1 (TSC complex subunit 1; minus strand). Cytogenetic location: 9q34.13.
Variant type: single nucleotide variant.
Coding change: c.2133G>A on transcript NM_000368.5 (MANE Select); coding-DNA position 2133, G replaced by A.
Protein change: p.Gln711=; no amino-acid change (glutamine 711 retained).
Molecular consequence: synonymous variant. On other transcripts: non-coding transcript variant (4).
Genome position (GRCh38, 1-based): chr9:132,903,726, C>T on the plus strand (G>A on the coding strand, the complement: TSC1 is on the minus strand). VCF-style: chr9-132903726-C-T. GRCh37 (hg19) VCF-style: chr9-135779113-C-T.
Other names: c.1182G>A, p.Gln394= (NM_001406626.1); c.1179G>A, p.Gln393= (NM_001406627.1, NM_001406628.1); c.1080G>A, p.Gln360= (NM_001406629.1, NM_001406630.1); c.2130G>A, p.Gln710= (NM_001162426.2, NM_001406597.1, NM_001406598.1 and 4 more transcripts); c.1980G>A, p.Gln660= (NM_001162427.2, NM_001406610.1); c.1770G>A, p.Gln590= (NM_001362177.2, NM_001406614.1, NM_001406615.1 and 5 more transcripts); c.2133G>A, p.Gln711= (NM_001406592.1, NM_001406593.1, NM_001406594.1 and 5 more transcripts); c.2118G>A, p.Gln706= (NM_001406601.1, NM_001406602.1); and 3 more.
Identifiers: ClinVar variation 4071361 (VCV004071361.1).